The following is an entry in ClinVar:

NM_001080421.3(UNC13A):c.4548A>G (p.Gln1516=)

Gene: UNC13A (unc-13 homolog A; minus strand). Cytogenetic location: 19p13.11.
Variant type: single nucleotide variant.
Coding change: c.4548A>G on transcript NM_001080421.3 (MANE Select); coding-DNA position 4548, A replaced by G.
Protein change: p.Gln1516=; no amino-acid change (glutamine 1516 retained).
Molecular consequence: synonymous variant.
Genome position (GRCh38, 1-based): chr19:17,617,712, T>C on the plus strand (A>G on the coding strand, the complement: UNC13A is on the minus strand). VCF-style: chr19-17617712-T-C. GRCh37 (hg19) VCF-style: chr19-17728521-T-C.
Other names: c.4536A>G, p.Gln1512= (NM_001387021.1); c.4533A>G, p.Gln1511= (NM_001387022.1); c.4467A>G, p.Gln1489= (NM_001387023.1).
Identifiers: ClinVar variation 755656 (VCV000755656.5), dbSNP rs527945586, ClinGen allele CA9297650.

ClinVar aggregate classification (germline): Likely benign. Review status: criteria provided, single submitter (1 of 4 stars). 2 submissions from 2 submitters: Likely benign (1). 1 of the submissions does not count toward it. Last evaluated 2018-06-29.

Conditions:
UNC13A-related disorder. Also called: UNC13A-related condition.

Allele frequency attached by ClinVar (database versions not stated): gnomAD exomes 0.00009; TOPMed 0.00010; ExAC 0.00011; gnomAD 0.00011 and 0.00013; 1000 Genomes Project 30x 0.00016; 1000 Genomes Project 0.00020.
gnomAD v4.1: 84 of 1,613,734 alleles (0.0052%); highest among the groups gnomAD compares: East Asian, 0.038%; no homozygotes.

Submissions (2):

Labcorp Genetics (formerly Invitae), Labcorp
Classification: Likely benign. Last evaluated: 2018-06-29. Review status: criteria provided, single submitter. Criteria: Invitae Variant Classification Sherloc (09022015). Collection method: clinical testing. Allele origin: germline.

PreventionGenetics, part of Exact Sciences
Classification: Likely benign for UNC13A-related condition. Last evaluated: 2023-04-20. Review status: no assertion criteria provided. Collection method: clinical testing. Allele origin: germline. Not counted in ClinVar's aggregate classification.
Comment: This variant is classified as likely benign based on ACMG/AMP sequence variant interpretation guidelines (Richards et al. 2015 PMID: 25741868, with internal and published modifications).